The following is an entry in ClinVar:

NM_000219.6(KCNE1):c.237C>A (p.Asn79Lys)

Gene: KCNE1 (potassium voltage-gated channel subfamily E regulatory subunit 1; minus strand). Cytogenetic location: 21q22.12.
Variant type: single nucleotide variant.
Coding change: c.237C>A on transcript NM_000219.6 (MANE Select); coding-DNA position 237, C replaced by A.
Protein change: p.Asn79Lys; replaces asparagine 79 with lysine.
Molecular consequence: missense variant.
Genome position (GRCh38, 1-based): chr21:34,449,398, G>T on the plus strand (C>A on the coding strand, the complement: KCNE1 is on the minus strand). VCF-style: chr21-34449398-G-T. GRCh37 (hg19) VCF-style: chr21-35821696-G-T.
Other names: c.237C>A, p.Asn79Lys (NM_001127668.4, NM_001127669.4, NM_001127670.4 and 4 more transcripts); short protein forms N79K.
Identifiers: ClinVar variation 3374404 (VCV003374404.2).

Conditions:
Long QT syndrome 5 (LQT5). Identifiers: Orphanet 101016, Orphanet 768, MedGen C1867904, MONDO:0013372, OMIM 613695.

Submission:

Roden Lab, Vanderbilt University Medical Center
No classification provided (evidence only). Condition: Long QT syndrome 5. Review status: no classification provided. Collection method: in vitro. Allele origin: not applicable. Functional consequence: Effect on ion channel function.
ClinVar note: "not provided" was previously submitted as the classification for the variant. However, the classification appeared to be based only on an observation of functional data so it was converted to no classification on 2025-07-30.